The following is an entry in ClinVar:

NM_033343.4(LHX4):c.498C>T (p.Ala166=)

Genes: ACBD6 (acyl-CoA binding domain containing 6; minus strand), LHX4 (LIM homeobox 4; plus strand), LHX4-AS1 (LHX4 antisense RNA 1; minus strand). Cytogenetic location: 1q25.2.
Variant type: single nucleotide variant.
Coding change: c.498C>T on transcript NM_033343.4 (MANE Select); coding-DNA position 498, C replaced by T.
Protein change: p.Ala166=; no amino-acid change (alanine 166 retained).
Molecular consequence: synonymous variant. On other transcripts: non-coding transcript variant (1).
Genome position (GRCh38, 1-based): chr1:180,271,426, C>T. VCF-style: chr1-180271426-C-T. GRCh37 (hg19) VCF-style: chr1-180240561-C-T.
Identifiers: ClinVar variation 2886993 (VCV002886993.5), dbSNP rs762313842, ClinGen allele CA1271918.

ClinVar aggregate classification (germline): Likely benign. Review status: criteria provided, single submitter (1 of 4 stars). 2 submissions from 2 submitters: Likely benign (1). 1 of the submissions does not count toward it. Last evaluated 2022-11-28.

Conditions:
LHX4-related disorder. Also called: LHX4-related condition.

Allele frequency attached by ClinVar (database versions not stated): gnomAD exomes below 0.00001; gnomAD 0.00001; ExAC 0.00002.
gnomAD v4.1: 8 of 1,614,070 alleles (0.0005%); highest among the groups gnomAD compares: Admixed American, 0.005%; no homozygotes.

Submissions (2):

Labcorp Genetics (formerly Invitae), Labcorp
Classification: Likely benign. Last evaluated: 2022-11-28. Review status: criteria provided, single submitter. Criteria: Invitae Variant Classification Sherloc (09022015). Collection method: clinical testing. Allele origin: germline.

PreventionGenetics, part of Exact Sciences
Classification: Likely benign for LHX4-related condition. Last evaluated: 2023-06-20. Review status: no assertion criteria provided. Collection method: clinical testing. Allele origin: germline. Not counted in ClinVar's aggregate classification.
Comment: This variant is classified as likely benign based on ACMG/AMP sequence variant interpretation guidelines (Richards et al. 2015 PMID: 25741868, with internal and published modifications).